The following is an entry in ClinVar:

ClinVar aggregate classification (germline): Conflicting classifications of pathogenicity. Review status: criteria provided, conflicting classifications (1 of 4 stars). 3 submissions from 3 submitters: Uncertain significance (2); Likely benign (1). Last evaluated 2026-05-01.

Conditions:
RAI1-related disorder. Also called: RAI1-related condition.

Allele frequency attached by ClinVar (database versions not stated): ExAC 0.00002; gnomAD 0.00002; ESP Exome Variant Server 0.00008.
gnomAD v4.1: 46 of 1,612,690 alleles (0.0029%); highest among the groups gnomAD compares: East Asian, 0.0045%; no homozygotes.

Submissions (3):

PreventionGenetics, part of Exact Sciences
Classification: Uncertain significance for RAI1-related condition. Last evaluated: 2026-05-01. Review status: criteria provided, single submitter. Criteria: ACMG Guidelines, 2015. Collection method: clinical testing. Allele origin: germline.
Comment: The RAI1 c.3725G>A variant is predicted to result in the amino acid substitution p.Arg1242Gln. To our knowledge, this variant has not been reported in the literature. This variant is reported in 0.012% of alleles in individuals of African descent in gnomAD. Although we suspect that this variant may be benign, at this time, the clinical significance of this variant is uncertain due to the absence of conclusive functional and genetic evidence.

Labcorp Genetics (formerly Invitae), Labcorp
Classification: Likely benign. Last evaluated: 2025-07-27. Review status: criteria provided, single submitter. Criteria: Invitae Variant Classification Sherloc (09022015). Collection method: clinical testing. Allele origin: germline.

Women's Health and Genetics/Laboratory Corporation of America, LabCorp
Classification: Uncertain significance. Last evaluated: 2025-03-25. Review status: criteria provided, single submitter. Criteria: LabCorp Variant Classification Summary - May 2015. Collection method: clinical testing. Allele origin: germline.
Comment: Variant summary: RAI1 c.3725G>A (p.Arg1242Gln) results in a conservative amino acid change in the encoded protein sequence. Four of five in-silico tools predict a benign effect of the variant on protein function. The variant allele was found at a frequency of 1.6e-05 in 249868 control chromosomes. The available data on variant occurrences in the general population are insufficient to allow any conclusion about variant significance. To our knowledge, no occurrence of c.3725G>A in individuals affected with Smith-Magenis Syndrome and no experimental evidence demonstrating its impact on protein function have been reported. ClinVar contains an entry for this variant (Variation ID: 2200248). Based on the evidence outlined above, the variant was classified as uncertain significance.

NM_030665.4(RAI1):c.3725G>A (p.Arg1242Gln)

Gene: RAI1 (retinoic acid induced 1; plus strand). Cytogenetic location: 17p11.2.
Variant type: single nucleotide variant.
Coding change: c.3725G>A on transcript NM_030665.4 (MANE Select); coding-DNA position 3725, G replaced by A.
Protein change: p.Arg1242Gln; replaces arginine 1242 with glutamine.
Molecular consequence: missense variant.
Genome position (GRCh38, 1-based): chr17:17,796,673, G>A. VCF-style: chr17-17796673-G-A. GRCh37 (hg19) VCF-style: chr17-17699987-G-A.
Other names: c.3725G>A (NM_030665.3); short protein forms R1242Q.
Identifiers: ClinVar variation 2200248 (VCV002200248.7), dbSNP rs370850432, ClinGen allele CA8418800.